The following is an entry in ClinVar:

ClinVar aggregate classification (germline): Uncertain significance. Review status: criteria provided, multiple submitters, no conflicts (2 of 4 stars). 2 submissions from 2 submitters: Uncertain significance (2). Last evaluated 2026-03-25.

Conditions:
Ehlers-Danlos syndrome, spondylodysplastic type, 3. Also called: Ehlers-Danlos syndrome, spondylocheirodysplastic type. Identifiers: Orphanet 157965, MedGen C2676510, MONDO:0012873, OMIM 612350.

Allele frequency attached by ClinVar (database versions not stated): ExAC 0.00002; gnomAD 0.00002; TOPMed 0.00004; ESP Exome Variant Server 0.00016.
gnomAD v4.1: 15 of 1,613,068 alleles (0.00093%); highest among the groups gnomAD compares: Non-Finnish European, 0.0013%; no homozygotes.

Submissions (2):

Women's Health and Genetics/Laboratory Corporation of America, LabCorp
Classification: Uncertain significance. Last evaluated: 2026-03-25. Review status: criteria provided, single submitter. Criteria: LabCorp Variant Classification Summary - May 2015. Collection method: clinical testing. Allele origin: germline.
Comment: Variant summary: SLC39A13 c.38G>T (p.Gly13Val) results in a non-conservative amino acid change in the encoded protein sequence. Algorithms developed to predict the effect of missense changes on protein structure and function are either unavailable or do not agree on the potential impact of this missense change. The variant allele was found at a frequency of 4e-06 in 247794 control chromosomes. The available data on variant occurrences in the general population are insufficient to allow any conclusion about variant significance. To our knowledge, no occurrence of c.38G>T in individuals affected with SLC39A13-related conditions and no experimental evidence demonstrating its impact on protein function have been reported. ClinVar contains an entry for this variant (Variation ID: 1010781). Based on the evidence outlined above, the variant was classified as uncertain significance.

Labcorp Genetics (formerly Invitae), Labcorp
Classification: Uncertain significance for Ehlers-Danlos syndrome, spondylodysplastic type, 3. Last evaluated: 2021-08-24. Review status: criteria provided, single submitter. Criteria: Invitae Variant Classification Sherloc (09022015). Collection method: clinical testing. Allele origin: germline.
Comment: This sequence change replaces glycine with valine at codon 13 of the SLC39A13 protein (p.Gly13Val). The glycine residue is weakly conserved and there is a moderate physicochemical difference between glycine and valine. This variant is present in population databases (rs148165667, ExAC 0.003%). This variant has not been reported in the literature in individuals affected with SLC39A13-related conditions. Algorithms developed to predict the effect of missense changes on protein structure and function are either unavailable or do not agree on the potential impact of this missense change (SIFT: "Tolerated"; PolyPhen-2: "Probably Damaging"; Align-GVGD: "Class C0"). In summary, the available evidence is currently insufficient to determine the role of this variant in disease. Therefore, it has been classified as a Variant of Uncertain Significance.

NM_001128225.3(SLC39A13):c.38G>T (p.Gly13Val)

Gene: SLC39A13 (solute carrier family 39 member 13; plus strand). Cytogenetic location: 11p11.2.
Variant type: single nucleotide variant.
Coding change: c.38G>T on transcript NM_001128225.3 (MANE Select); coding-DNA position 38, G replaced by T.
Protein change: p.Gly13Val; replaces glycine 13 with valine.
Molecular consequence: missense variant. On other transcripts: non-coding transcript variant (1).
Genome position (GRCh38, 1-based): chr11:47,410,132, G>T. VCF-style: chr11-47410132-G-T. GRCh37 (hg19) VCF-style: chr11-47431683-G-T.
Other names: c.38G>T, p.Gly13Val (NM_001330245.2, NM_152264.5); short protein forms G13V.
Identifiers: ClinVar variation 1010781 (VCV001010781.7), dbSNP rs148165667, ClinGen allele CA5975647.